The following is an entry in ClinVar:

ClinVar aggregate classification (germline): Likely benign. Review status: criteria provided, multiple submitters, no conflicts (2 of 4 stars). 3 submissions from 3 submitters: Likely benign (3). Last evaluated 2025-10-01.

Allele frequency attached by ClinVar (database versions not stated): gnomAD exomes 0.00004; gnomAD 0.00005; TOPMed 0.00005; ExAC 0.00006; ESP Exome Variant Server 0.00016.
gnomAD v4.1: 63 of 1,613,854 alleles (0.0039%); highest among the groups gnomAD compares: Middle Eastern, 0.099%; no homozygotes.

Submissions (3):

Labcorp Genetics (formerly Invitae), Labcorp
Classification: Likely benign. Last evaluated: 2025-10-01. Review status: criteria provided, single submitter. Criteria: Invitae Variant Classification Sherloc (09022015). Collection method: clinical testing. Allele origin: germline.

Blueprint Genetics
Classification: Likely benign. Last evaluated: 2023-03-30. Review status: criteria provided, single submitter. Criteria: ACMG Guidelines, 2015. Collection method: clinical testing. Allele origin: germline.

CeGaT Center for Human Genetics Tuebingen
Classification: Likely benign. Last evaluated: 2022-10-01. Review status: criteria provided, single submitter. Criteria: CeGaT Center For Human Genetics Tuebingen Variant Classification Criteria Version 2. Collection method: clinical testing. Allele origin: germline. Affected: yes. Observed: 1 variant allele.
Comment: GPAA1: BP4, BP7

NM_003801.4(GPAA1):c.969T>C (p.Asn323=)

Gene: GPAA1 (glycosylphosphatidylinositol anchor attachment 1; plus strand). Cytogenetic location: 8q24.3.
Variant type: single nucleotide variant.
Coding change: c.969T>C on transcript NM_003801.4 (MANE Select); coding-DNA position 969, T replaced by C.
Protein change: p.Asn323=; no amino-acid change (asparagine 323 retained).
Molecular consequence: synonymous variant.
Genome position (GRCh38, 1-based): chr8:144,084,568, T>C. VCF-style: chr8-144084568-T-C. GRCh37 (hg19) VCF-style: chr8-145139471-T-C.
Identifiers: ClinVar variation 1506986 (VCV001506986.30), dbSNP rs183427586, ClinGen allele CA4932986.